The following is an entry in ClinVar:

NM_020975.6(RET):c.230G>A (p.Arg77His)

Gene: RET (ret proto-oncogene; plus strand). Cytogenetic location: 10q11.21.
Variant type: single nucleotide variant.
Coding change: c.230G>A on transcript NM_020975.6 (MANE Select); coding-DNA position 230, G replaced by A.
Protein change: p.Arg77His; replaces arginine 77 with histidine.
Molecular consequence: missense variant.
Genome position (GRCh38, 1-based): chr10:43,100,615, G>A. VCF-style: chr10-43100615-G-A. GRCh37 (hg19) VCF-style: chr10-43596063-G-A.
Other names: c.230G>A, p.Arg77His (NM_001406760.1, NM_001406761.1, NM_001406765.1 and 34 more transcripts); short protein forms R77H.
Identifiers: ClinVar variation 477344 (VCV000477344.15), dbSNP rs570176656, ClinGen allele CA038543.

ClinVar aggregate classification (germline): Conflicting classifications of pathogenicity. Review status: criteria provided, conflicting classifications (1 of 4 stars). 4 submissions from 4 submitters: Uncertain significance (3); Likely benign (1). Last evaluated 2026-01-18.

Conditions:
Hereditary cancer-predisposing syndrome. Also called: Neoplastic Syndromes, Hereditary; Hereditary Cancer Syndrome; Hereditary neoplastic syndrome; Tumor predisposition. Identifiers: Orphanet 140162, MedGen C0027672, MeSH D009386, MONDO:0015356.
Multiple endocrine neoplasia, type 2 (MEN2). Identifiers: Orphanet 653, MedGen C4048306, MONDO:0019003. Disease mechanism: gain of function.

Allele frequency attached by ClinVar (database versions not stated): gnomAD exomes 0.00003 and 0.00005; gnomAD 0.00005 and 0.00007; TOPMed 0.00005; ExAC 0.00008; 1000 Genomes Project 30x 0.00031; 1000 Genomes Project 0.00040.
gnomAD v4.1: 53 of 1,613,792 alleles (0.0033%); highest among the groups gnomAD compares: East Asian, 0.0089%; 1 homozygote.

Submissions (4):

Labcorp Genetics (formerly Invitae), Labcorp
Classification: Uncertain significance for Multiple endocrine neoplasia, type 2. Last evaluated: 2026-01-18. Review status: criteria provided, single submitter. Criteria: Invitae Variant Classification Sherloc (09022015). Collection method: clinical testing. Allele origin: germline.
Comment: This sequence change replaces arginine, which is basic and polar, with histidine, which is basic and polar, at codon 77 of the RET protein (p.Arg77His). This variant is present in population databases (rs570176656, gnomAD 0.008%). This variant has not been reported in the literature in individuals affected with RET-related conditions. ClinVar contains an entry for this variant (Variation ID: 477344). An algorithm developed to predict the effect of missense changes on protein structure and function outputs the following: PolyPhen-2: "Benign". The histidine amino acid residue is found in multiple mammalian species, which suggests that this missense change does not adversely affect protein function. This variant disrupts the p.Arg77 amino acid residue in RET. Other variant(s) that disrupt this residue have been determined to be pathogenic (PMID: 10618407, 10982477, 29261189). This suggests that this residue is clinically significant, and that variants that disrupt this residue are likely to be disease-causing. In summary, the available evidence is currently insufficient to determine the role of this variant in disease. Therefore, it has been classified as a Variant of Uncertain Significance.

Color Diagnostics, LLC DBA Color Health
Classification: Uncertain significance for Multiple endocrine neoplasia, type 2. Last evaluated: 2025-05-27. Review status: criteria provided, single submitter. Criteria: ACMG Guidelines, 2015. Collection method: clinical testing. Allele origin: germline.
Comment: This missense variant replaces arginine with histidine at codon 77 of the RET protein. Computational prediction suggests that this variant may not impact protein structure and function. To our knowledge, functional studies have not been reported for this variant. This variant has not been reported in individuals affected with RET-related disorders in the literature. This variant has been identified in 15/281936 chromosomes in the general population by the Genome Aggregation Database (gnomAD). The available evidence is insufficient to determine the role of this variant in disease conclusively. Therefore, this variant is classified as a Variant of Uncertain Significance.

GeneDx
Classification: Uncertain significance. Last evaluated: 2024-01-16. Review status: criteria provided, single submitter. Criteria: GeneDx Variant Classification Process June 2021. Collection method: clinical testing. Allele origin: germline. Affected: yes.
Comment: Observed in an individual with pheochromocytoma, but also in unaffected relatives and control individuals (PMID: 36936415); In silico analysis supports that this missense variant does not alter protein structure/function; This variant is associated with the following publications: (PMID: 14633923, 36936415)

Ambry Genetics
Classification: Likely benign for Hereditary cancer-predisposing syndrome. Last evaluated: 2021-10-19. Review status: criteria provided, single submitter. Criteria: Ambry Variant Classification Scheme 2023. Collection method: clinical testing. Allele origin: germline.

Literature cited by the submitters: PubMed 10618407 (cited by Labcorp Genetics (formerly Invitae), Labcorp); PubMed 10982477 (cited by Labcorp Genetics (formerly Invitae), Labcorp); PubMed 29261189 (cited by Labcorp Genetics (formerly Invitae), Labcorp).